The following is an entry in ClinVar:

ClinVar aggregate classification (germline): Conflicting classifications of pathogenicity. Review status: criteria provided, conflicting classifications (1 of 4 stars). 3 submissions from 3 submitters: Likely pathogenic (1); Uncertain significance (2). Last evaluated 2026-05-12.

Conditions:
Autosomal recessive nonsyndromic hearing loss 16. Also called: DFNB16 Nonsyndromic Hearing Loss and Deafness; DEAFNESS, AUTOSOMAL RECESSIVE 16. Identifiers: Orphanet 90636, MedGen C1863561, MONDO:0011364, OMIM 603720.
STRC-related disorder. Also called: STRC-related condition.

Allele frequency attached by ClinVar (database versions not stated): gnomAD 0.00004 and 0.00012; ExAC 0.00010; gnomAD exomes 0.00010 and 0.00011; ESP Exome Variant Server 0.00023.
gnomAD v4.1: 171 of 1,576,944 alleles (0.011%); highest among the groups gnomAD compares: Admixed American, 0.015%; 6 homozygotes.

Submissions (3):

PreventionGenetics, part of Exact Sciences
Classification: Uncertain significance for STRC-related condition. Last evaluated: 2026-05-12. Review status: criteria provided, single submitter. Criteria: ACMG Guidelines, 2015. Collection method: clinical testing. Allele origin: germline.
Comment: The STRC c.3794C>T variant is predicted to result in the amino acid substitution p.Pro1265Leu. This variant has been reported in a patient with hearing loss, although information on a second potentially causative variant was not provided (eTable 7, Carlson et al 2023. PubMed ID: 36633841). This variant has been reported in trans to a full gene STRC deletion in three patients with hearing loss by two other laboratories in ClinVar (ID: 666606). This variant has been also detected in trans with an STRC gene deletion in two individuals with hearing loss (Internal data; PreventionGenetics). This variant is reported in 0.014% of alleles in individuals of European (Non-Finnish) descent in gnomAD, including two homozygotes. However, this variant falls within a highly paralogous region and therefore allele frequency data should be interpreted with caution. While we suspect this variant is pathogenic, at this time, the clinical significance of this variant is uncertain due to the absence of conclusive functional and genetic evidence.

King Laboratory, University of Washington
Classification: Likely pathogenic for Autosomal recessive nonsyndromic hearing loss 16. Last evaluated: 2023-02-28. Review status: criteria provided, single submitter. Criteria: Li et al. (Genet Med. 2022). Collection method: research. Allele origin: unknown. Affected: yes.
Comment: This variant occurred in compound heterozygosity with an STRC full gene deletion in a patient with bilateral sensorineural hearing loss of onset <18 years, in a study of pediatric hearing loss conducted by the King Laboratory (Carlson RJ et al. JAMA-OtoHNS 2023). This patient’s family has no other history of hearing loss. This variant is a missense at a completely conserved site and is predicted to be damaging by multiple in-silico tools. As of January 2023, this variant has been reported to ClinVar as a variant of unknown significance and is found in 25 heterozygotes on gnomAD. Based on consistently predicted functional effect, compound heterozygosity with a loss-of-function variant, and goodness of fit of genotype to phenotype, we conclude that this variant is likely pathogenic.

Laboratory for Molecular Medicine, Mass General Brigham Personalized Medicine
Classification: Uncertain significance. Last evaluated: 2019-02-11. Review status: criteria provided, single submitter. Criteria: LMM Criteria. Collection method: clinical testing. Allele origin: germline. Inheritance: Autosomal recessive inheritance. Observed: 1 variant allele.
Comment: Variant classified as Uncertain Significance - Favor Pathogenic. The p.Pro1265Leu variant in STRC has been reported in 2 compound heterozygous individuals with hearing loss, who both harbored an STRC deletion in trans (Molecular Otolaryngology and Renal Research Laboratories (MORL) internal data; LMM data). It has also been identified in 0.014% (17/123540) of European chromosomes, including 1 homozygote, by gnomAD. Computational prediction tools and conservation analysis suggest that this variant may impact the protein, though this information is not predictive enough to determine pathogenicity. In summary, while there is some suspicion for a pathogenic role, the clinical significance of this variant is uncertain. ACMG/AMP Criteria applied: PM3_Strong, PP3.

Literature cited by the submitters: PubMed 36633841 (cited by King Laboratory, University of Washington).

NM_153700.2(STRC):c.3794C>T (p.Pro1265Leu)

Gene: STRC (stereocilin; minus strand). Cytogenetic location: 15q15.3.
Variant type: single nucleotide variant.
Coding change: c.3794C>T on transcript NM_153700.2 (MANE Select); coding-DNA position 3794, C replaced by T.
Protein change: p.Pro1265Leu; replaces proline 1265 with leucine.
Molecular consequence: missense variant.
Genome position (GRCh38, 1-based): chr15:43,607,863, G>A on the plus strand (C>T on the coding strand, the complement: STRC is on the minus strand). VCF-style: chr15-43607863-G-A. GRCh37 (hg19) VCF-style: chr15-43900061-G-A.
Other names: short protein forms P1265L.
Identifiers: ClinVar variation 666606 (VCV000666606.9), dbSNP rs371994634, ClinGen allele CA7528232.